The following is an entry in ClinVar:

ClinVar aggregate classification (germline): Uncertain significance (1 of 4 stars; one submission).

Submission:

Women's Health and Genetics/Laboratory Corporation of America, LabCorp
Classification: Uncertain significance. Last evaluated: 2025-03-25. Review status: criteria provided, single submitter. Criteria: LabCorp Variant Classification Summary - May 2015. Collection method: clinical testing. Allele origin: germline.
Comment: Variant summary: CFTR c.400A>G (p.Arg134Gly) results in a non-conservative amino acid change located in the ABC transporter type 1, transmembrane domain (IPR011527) of the encoded protein sequence. Five of five in-silico tools predict a damaging effect of the variant on protein function. The variant was absent in 250804 control chromosomes. c.400A>G has been reported in the literature in multiple individuals affected with Cystic Fibrosis and/or congenital absence of the vas deferens (example, Feng_2022, Luo_2021, Shao_2020). These data indicate that the variant may be associated with disease. To our knowledge, no experimental evidence demonstrating an impact on protein function has been reported. The following publications have been ascertained in the context of this evaluation (PMID: 35913788, 32777524, 32454915). ClinVar contains an entry for this variant (Variation ID: 3339496). Based on the evidence outlined above, the variant was classified as VUS-possibly pathogenic.

Literature cited by the submitters: PubMed 32777524; PubMed 35913788; PubMed 32454915.

NM_000492.4(CFTR):c.400A>G (p.Arg134Gly)

Gene: CFTR (CF transmembrane conductance regulator; plus strand). Cytogenetic location: 7q31.2.
Variant type: single nucleotide variant.
Coding change: c.400A>G on transcript NM_000492.4 (MANE Select); coding-DNA position 400, A replaced by G.
Protein change: p.Arg134Gly; replaces arginine 134 with glycine.
Molecular consequence: missense variant.
Genome position (GRCh38, 1-based): chr7:117,531,025, A>G. VCF-style: chr7-117531025-A-G. GRCh37 (hg19) VCF-style: chr7-117171079-A-G.
Other names: short protein forms R134G.
Identifiers: ClinVar variation 3339496 (VCV003339496.2).